The following is an entry in ClinVar:

NM_000350.3(ABCA4):c.3706A>G (p.Lys1236Glu)

Genes: ABCA4 (ATP binding cassette subfamily A member 4; minus strand), LOC126805794 (BRD4-independent group 4 enhancer GRCh37_chr1:94502188-94503387; plus strand). Cytogenetic location: 1p22.1.
Variant type: single nucleotide variant.
Coding change: c.3706A>G on transcript NM_000350.3 (MANE Select); coding-DNA position 3706, A replaced by G.
Protein change: p.Lys1236Glu; replaces lysine 1236 with glutamic acid.
Molecular consequence: missense variant.
Genome position (GRCh38, 1-based): chr1:94,037,252, T>C on the plus strand (A>G on the coding strand, the complement: ABCA4 is on the minus strand). VCF-style: chr1-94037252-T-C. GRCh37 (hg19) VCF-style: chr1-94502808-T-C.
Other names: c.3484A>G, p.Lys1162Glu (NM_001425324.1); short protein forms K1236E, K1162E.
Identifiers: ClinVar variation 1462047 (VCV001462047.3), dbSNP rs769819432, ClinGen allele CA957847.

ClinVar aggregate classification (germline): Uncertain significance (1 of 4 stars; one submission).

Allele frequency attached by ClinVar (database versions not stated): gnomAD exomes 0.00001; ExAC 0.00002.
gnomAD v4.1: 4 of 1,614,240 alleles (0.00025%); highest among the groups gnomAD compares: Middle Eastern, 0.016%; no homozygotes.

Submission:

Labcorp Genetics (formerly Invitae), Labcorp
Classification: Uncertain significance. Last evaluated: 2021-09-24. Review status: criteria provided, single submitter. Criteria: Invitae Variant Classification Sherloc (09022015). Collection method: clinical testing. Allele origin: germline.
Comment: This sequence change replaces lysine with glutamic acid at codon 1236 of the ABCA4 protein (p.Lys1236Glu). The lysine residue is highly conserved and there is a small physicochemical difference between lysine and glutamic acid. This variant is present in population databases (rs769819432, ExAC 0.003%). This variant has not been reported in the literature in individuals affected with ABCA4-related conditions. Advanced modeling of protein sequence and biophysical properties (such as structural, functional, and spatial information, amino acid conservation, physicochemical variation, residue mobility, and thermodynamic stability) performed at Invitae indicates that this missense variant is not expected to disrupt ABCA4 protein function. In summary, the available evidence is currently insufficient to determine the role of this variant in disease. Therefore, it has been classified as a Variant of Uncertain Significance.